The following is an entry in ClinVar:

ClinVar aggregate classification (germline): Uncertain significance (1 of 4 stars; one submission).

Allele frequency attached by ClinVar (database versions not stated): gnomAD 0.00001; TOPMed 0.00003.

Submission:

Labcorp Genetics (formerly Invitae), Labcorp
Classification: Uncertain significance. Last evaluated: 2022-08-23. Review status: criteria provided, single submitter. Criteria: Invitae Variant Classification Sherloc (09022015). Collection method: clinical testing. Allele origin: germline.
Comment: This sequence change replaces aspartic acid, which is acidic and polar, with asparagine, which is neutral and polar, at codon 76 of the ARMC9 protein (p.Asp76Asn). This variant is present in population databases (rs759705369, gnomAD 0.006%). This variant has not been reported in the literature in individuals affected with ARMC9-related conditions. ClinVar contains an entry for this variant (Variation ID: 1464757). Experimental studies and prediction algorithms are not available or were not evaluated, and the functional significance of this variant is currently unknown. In summary, the available evidence is currently insufficient to determine the role of this variant in disease. Therefore, it has been classified as a Variant of Uncertain Significance.

NM_001352754.2(ARMC9):c.226G>A (p.Asp76Asn)

Gene: ARMC9 (armadillo repeat containing 9; plus strand). Cytogenetic location: 2q37.1.
Variant type: single nucleotide variant.
Coding change: c.226G>A on transcript NM_001352754.2 (MANE Select); coding-DNA position 226, G replaced by A.
Protein change: p.Asp76Asn; replaces aspartic acid 76 with asparagine.
Molecular consequence: missense variant. On other transcripts: non-coding transcript variant (1).
Genome position (GRCh38, 1-based): chr2:231,214,879, G>A. VCF-style: chr2-231214879-G-A. GRCh37 (hg19) VCF-style: chr2-232079592-G-A.
Other names: c.226G>A, p.Asp76Asn (NM_001271466.4, NM_001291656.2, NM_001352755.2 and 5 more transcripts); short protein forms D76N.
Identifiers: ClinVar variation 1464757 (VCV001464757.3), dbSNP rs759705369, ClinGen allele CA2159880.